The following is an entry in ClinVar:

NM_006379.5(SEMA3C):c.761G>A (p.Ser254Asn)

Gene: SEMA3C (semaphorin 3C; minus strand). Cytogenetic location: 7q21.11.
Variant type: single nucleotide variant.
Coding change: c.761G>A on transcript NM_006379.5 (MANE Select); coding-DNA position 761, G replaced by A.
Protein change: p.Ser254Asn; replaces serine 254 with asparagine.
Molecular consequence: missense variant.
Genome position (GRCh38, 1-based): chr7:80,804,146, C>T on the plus strand (G>A on the coding strand, the complement: SEMA3C is on the minus strand). VCF-style: chr7-80804146-C-T. GRCh37 (hg19) VCF-style: chr7-80433462-C-T.
Other names: c.815G>A, p.Ser272Asn (NM_001350120.2); c.587G>A, p.Ser196Asn (NM_001350121.2); c.761G>A (NM_006379.3); short protein forms S196N, S254N, S272N.
Identifiers: ClinVar variation 3034429 (VCV003034429.4), dbSNP rs143365687, ClinGen allele CA4316340.

ClinVar aggregate classification (germline): Uncertain significance. Review status: criteria provided, single submitter (1 of 4 stars). 2 submissions from 2 submitters: Uncertain significance (1). 1 of the submissions does not count toward it. Last evaluated 2025-09-28.

Conditions:
SEMA3C-related disorder. Also called: SEMA3C-related condition.

Allele frequency attached by ClinVar (database versions not stated): gnomAD 0.00013; ExAC 0.00009; ESP Exome Variant Server 0.00038; gnomAD exomes 0.00008; TOPMed 0.00014.
gnomAD v4.1: 133 of 1,612,694 alleles (0.0082%); highest among the groups gnomAD compares: Non-Finnish European, 0.01%; no homozygotes.

Submissions (2):

Ambry Genetics
Classification: Uncertain significance. Last evaluated: 2025-09-28. Review status: criteria provided, single submitter. Criteria: Ambry Variant Classification Scheme 2023. Collection method: clinical testing. Allele origin: germline.

PreventionGenetics, part of Exact Sciences
Classification: Uncertain significance for SEMA3C-related condition. Last evaluated: 2023-12-08. Review status: no assertion criteria provided. Collection method: clinical testing. Allele origin: germline. Not counted in ClinVar's aggregate classification.
Comment: The SEMA3C c.815G>A variant is predicted to result in the amino acid substitution p.Ser272Asn. To our knowledge, this variant has not been reported in the literature. This variant is reported in 0.016% of alleles in individuals of European (Non-Finnish) descent in gnomAD. At this time, the clinical significance of this variant is uncertain due to the absence of conclusive functional and genetic evidence.